The following is an entry in ClinVar:

NM_020975.6(RET):c.664G>A (p.Glu222Lys)

Gene: RET (ret proto-oncogene; plus strand). Cytogenetic location: 10q11.21.
Variant type: single nucleotide variant.
Coding change: c.664G>A on transcript NM_020975.6 (MANE Select); coding-DNA position 664, G replaced by A.
Protein change: p.Glu222Lys; replaces glutamic acid 222 with lysine.
Molecular consequence: missense variant.
Genome position (GRCh38, 1-based): chr10:43,104,990, G>A. VCF-style: chr10-43104990-G-A. GRCh37 (hg19) VCF-style: chr10-43600438-G-A.
Other names: c.664G>A, p.Glu222Lys (NM_000323.2, NM_001406743.1, NM_001406744.1 and 8 more transcripts); c.-99G>A (NM_001355216.2); c.535G>A, p.Glu179Lys (NM_001406761.1, NM_001406762.1, NM_001406764.1 and 2 more transcripts); c.376G>A, p.Glu126Lys (NM_001406766.1, NM_001406767.1, NM_001406770.1); short protein forms E222K, E179K, E126K.
Identifiers: ClinVar variation 1011103 (VCV001011103.13), dbSNP rs1837729713, ClinGen allele CA376544427.

ClinVar aggregate classification (germline): Uncertain significance. Review status: criteria provided, multiple submitters, no conflicts (2 of 4 stars). 4 submissions from 4 submitters: Uncertain significance (4). Last evaluated 2025-10-17.

Conditions:
Hereditary cancer-predisposing syndrome. Also called: Tumor predisposition; Hereditary neoplastic syndrome; Neoplastic Syndromes, Hereditary; Hereditary Cancer Syndrome. Identifiers: Orphanet 140162, MedGen C0027672, MeSH D009386, MONDO:0015356.
Multiple endocrine neoplasia, type 2 (MEN2). Identifiers: Orphanet 653, MedGen C4048306, MONDO:0019003. Disease mechanism: gain of function.

Allele frequency attached by ClinVar (database versions not stated): gnomAD exomes below 0.00001; TOPMed below 0.00001.
gnomAD v4.1: 5 of 1,585,688 alleles (0.00032%); highest among the groups gnomAD compares: Non-Finnish European, 0.00034%; no homozygotes.

Submissions (4):

Ambry Genetics
Classification: Uncertain significance for Hereditary cancer-predisposing syndrome. Last evaluated: 2025-10-17. Review status: criteria provided, single submitter. Criteria: Ambry Variant Classification Scheme 2023. Collection method: clinical testing. Allele origin: germline.
Comment: The p.E222K variant (also known as c.664G>A), located in coding exon 4 of the RET gene, results from a G to A substitution at nucleotide position 664. The glutamic acid at codon 222 is replaced by lysine, an amino acid with similar properties. This amino acid position is well conserved in available vertebrate species. In addition, this alteration is predicted to be tolerated by in silico analysis. Since supporting evidence is limited at this time, the clinical significance of this alteration remains unclear.

Labcorp Genetics (formerly Invitae), Labcorp
Classification: Uncertain significance for Multiple endocrine neoplasia, type 2. Last evaluated: 2025-06-30. Review status: criteria provided, single submitter. Criteria: Invitae Variant Classification Sherloc (09022015). Collection method: clinical testing. Allele origin: germline.
Comment: This sequence change replaces glutamic acid, which is acidic and polar, with lysine, which is basic and polar, at codon 222 of the RET protein (p.Glu222Lys). This variant is not present in population databases (gnomAD no frequency). This missense change has been observed in individual(s) with pheochromocytoma (PMID: 27986441). ClinVar contains an entry for this variant (Variation ID: 1011103). An algorithm developed to predict the effect of missense changes on protein structure and function (PolyPhen-2) suggests that this variant is likely to be tolerated. In summary, the available evidence is currently insufficient to determine the role of this variant in disease. Therefore, it has been classified as a Variant of Uncertain Significance.

All of Us Research Program, National Institutes of Health
Classification: Uncertain significance for Multiple endocrine neoplasia, type 2. Last evaluated: 2024-04-16. Review status: criteria provided, single submitter. Criteria: ACMG Guidelines, 2015. Collection method: clinical testing. Allele origin: germline. Inheritance: Autosomal dominant inheritance. Observed: 1 variant allele, 1 heterozygote.
Comment: This missense variant replaces glutamic acid with lysine at codon 222 of the RET protein. Computational prediction suggests that this variant may not impact protein structure and function. To our knowledge, functional studies have not been reported for this variant. This variant has been reported in an individual affected with pheochromocytoma (PMID: 27986441). This variant has not been identified in the general population by the Genome Aggregation Database (gnomAD). The available evidence is insufficient to determine the role of this variant in disease conclusively. Therefore, this variant is classified as a Variant of Uncertain Significance.

This study involves interpretation of variants in research participants for the purpose of population health screening. Participant phenotype was not available at the time of variant classification. Additional details can be found in publication PMID: 35346344, PMCID: PMC8962531

GeneDx
Classification: Uncertain significance. Last evaluated: 2022-11-23. Review status: criteria provided, single submitter. Criteria: GeneDx Variant Classification Process June 2021. Collection method: clinical testing. Allele origin: germline. Affected: yes.
Comment: Not observed at significant frequency in large population cohorts (gnomAD); In silico analysis supports that this missense variant does not alter protein structure/function; Has not been previously published as pathogenic or benign to our knowledge; This variant is associated with the following publications: (PMID: 14633923)

Literature cited by the submitters: PubMed 27986441 (cited by Labcorp Genetics (formerly Invitae), Labcorp and All of Us Research Program, National Institutes of Health).